The following is an entry in ClinVar:

ClinVar aggregate classification (germline): Uncertain significance (1 of 4 stars; one submission).

gnomAD v4.1: 1 of 1,168,124 alleles (0.000086%); highest among the groups gnomAD compares: Non-Finnish European, 0.00011%; no homozygotes.

Submission:

Labcorp Genetics (formerly Invitae), Labcorp
Classification: Uncertain significance. Last evaluated: 2023-08-14. Review status: criteria provided, single submitter. Criteria: Invitae Variant Classification Sherloc (09022015). Collection method: clinical testing. Allele origin: germline.
Comment: This sequence change replaces glycine, which is neutral and non-polar, with cysteine, which is neutral and slightly polar, at codon 29 of the KMT2A protein (p.Gly29Cys). The frequency data for this variant in the population databases is considered unreliable, as metrics indicate insufficient coverage at this position in the gnomAD database. This variant has not been reported in the literature in individuals affected with KMT2A-related conditions. Advanced modeling of protein sequence and biophysical properties (such as structural, functional, and spatial information, amino acid conservation, physicochemical variation, residue mobility, and thermodynamic stability) has been performed at Invitae for this missense variant, however the output from this modeling did not meet the statistical confidence thresholds required to predict the impact of this variant on KMT2A protein function. In summary, the available evidence is currently insufficient to determine the role of this variant in disease. Therefore, it has been classified as a Variant of Uncertain Significance.

NM_001197104.2(KMT2A):c.85G>T (p.Gly29Cys)

Gene: KMT2A (lysine methyltransferase 2A; plus strand). Cytogenetic location: 11q23.3.
Variant type: single nucleotide variant.
Coding change: c.85G>T on transcript NM_001197104.2 (MANE Select); coding-DNA position 85, G replaced by T.
Protein change: p.Gly29Cys; replaces glycine 29 with cysteine.
Molecular consequence: missense variant.
Genome position (GRCh38, 1-based): chr11:118,436,597, G>T. VCF-style: chr11-118436597-G-T. GRCh37 (hg19) VCF-style: chr11-118307312-G-T.
Other names: c.85G>T, p.Gly29Cys (NM_001412597.1, NM_005933.4); short protein forms G29C.
Identifiers: ClinVar variation 2797050 (VCV002797050.3), dbSNP rs1161519468, ClinGen allele CA382797098.